The following is an entry in ClinVar:

ClinVar aggregate classification (germline): Benign. Review status: criteria provided, multiple submitters, no conflicts (2 of 4 stars). 3 submissions from 3 submitters: Benign (2). 1 of the submissions does not count toward it. Last evaluated 2019-12-31.

Conditions:
JPH3-related disorder. Also called: JPH3-related condition.

Allele frequency attached by ClinVar (database versions not stated): gnomAD exomes 0.00169 and 0.00389; ExAC 0.00474; TOPMed 0.01372; gnomAD 0.01307; 1000 Genomes Project 30x 0.01171; ESP Exome Variant Server 0.01297; 1000 Genomes Project 0.01078.
gnomAD v4.1: 4,400 of 1,606,402 alleles (0.27%); highest among the groups gnomAD compares: African/African-American, 4.2%; 78 homozygotes.

Submissions (3):

Labcorp Genetics (formerly Invitae), Labcorp
Classification: Benign. Last evaluated: 2019-12-31. Review status: criteria provided, single submitter. Criteria: Invitae Variant Classification Sherloc (09022015). Collection method: clinical testing. Allele origin: germline.

Breakthrough Genomics
Classification: Benign. Review status: criteria provided, single submitter. Criteria: ACMG Guidelines, 2015. Collection method: not provided. Allele origin: germline. Inheritance: Autosomal dominant inheritance. Affected: yes.

PreventionGenetics, part of Exact Sciences
Classification: Benign for JPH3-related condition. Last evaluated: 2019-04-02. Review status: no assertion criteria provided. Collection method: clinical testing. Allele origin: germline. Not counted in ClinVar's aggregate classification.
Comment: This variant is classified as benign based on ACMG/AMP sequence variant interpretation guidelines (Richards et al. 2015 PMID: 25741868, with internal and published modifications).

NM_020655.4(JPH3):c.1128C>T (p.Ile376=)

Gene: JPH3 (junctophilin 3; plus strand). Cytogenetic location: 16q24.2.
Variant type: single nucleotide variant.
Coding change: c.1128C>T on transcript NM_020655.4 (MANE Select); coding-DNA position 1128, C replaced by T.
Protein change: p.Ile376=; no amino-acid change (isoleucine 376 retained).
Molecular consequence: synonymous variant. On other transcripts: non-coding transcript variant (1).
Genome position (GRCh38, 1-based): chr16:87,645,003, C>T. VCF-style: chr16-87645003-C-T. GRCh37 (hg19) VCF-style: chr16-87678609-C-T.
Identifiers: ClinVar variation 780310 (VCV000780310.7), dbSNP rs111568864, ClinGen allele CA8220976.
Genomic context (GRCh38, chr16:87,645,003, plus strand): 5'-CAGCAAGATCCGCGAGAAGGTGGACCGCGCCGTTGAGGCCGCTGAGCGGGCCGCCACCAT[C>T]GCCAAGCAGAAGGCTGAGATCGCGGCTTCCAGGTAGGAGGGCGAGGGGGCGGGGGGCCCT-3'
Protein context (NP_065706.2, residues 366-386): AVEAAERAAT[Ile376=]AKQKAEIAAS